The following is an entry in ClinVar:

NM_001174147.2(LMX1B):c.326+1G>A

Gene: LMX1B (LIM homeobox transcription factor 1 beta; plus strand). Cytogenetic location: 9q33.3.
Variant type: single nucleotide variant.
Coding change: c.326+1G>A on transcript NM_001174147.2 (MANE Select); the canonical splice donor site of the intron after coding-DNA position 326, G replaced by A.
Molecular consequence: splice donor variant.
Genome position (GRCh38, 1-based): chr9:126,615,570, G>A. VCF-style: chr9-126615570-G-A. GRCh37 (hg19) VCF-style: chr9-129377849-G-A.
Other names: c.326+1G>A (NM_002316.3, NM_001174146.2, NM_002316.4).
Identifiers: ClinVar variation 2735332 (VCV002735332.4), dbSNP rs1835287461, ClinGen allele CA374910266.

ClinVar aggregate classification (germline): Pathogenic. Review status: criteria provided, single submitter (1 of 4 stars). 2 submissions from 2 submitters: Pathogenic (1). 1 of the submissions does not count toward it. Last evaluated 2025-04-23.

Conditions:
LMX1B-related disorder. Also called: LMX1B-related condition.

Submissions (2):

Labcorp Genetics (formerly Invitae), Labcorp
Classification: Pathogenic. Last evaluated: 2025-04-23. Review status: criteria provided, single submitter. Criteria: Invitae Variant Classification Sherloc (09022015). Collection method: clinical testing. Allele origin: germline.
Comment: This sequence change affects a donor splice site in intron 2 of the LMX1B gene. RNA analysis indicates that disruption of this splice site induces altered splicing and may result in an absent or altered protein product. This variant is not present in population databases (gnomAD no frequency). Disruption of this splice site has been observed in individuals with Nail-Patella syndrome (PMID: 15498463, 31513274). ClinVar contains an entry for this variant (Variation ID: 2735332). Studies have shown that disruption of this splice site results in deletion of exon 2, and produces a non-functional protein and/or introduces a premature termination codon (PMID: 31513274). For these reasons, this variant has been classified as Pathogenic.

PreventionGenetics, part of Exact Sciences
Classification: Pathogenic for LMX1B-related condition. Last evaluated: 2024-05-23. Review status: no assertion criteria provided. Collection method: clinical testing. Allele origin: germline. Not counted in ClinVar's aggregate classification.
Comment: The LMX1B c.326+1G>A variant is predicted to disrupt the GT donor site and interfere with normal splicing. This variant has been identified in an individual with nail patella syndrome (Table 1 Dunston et al 2004. PubMed ID: 15498463). A different variant affecting the same splice position (c.326+1G>C in Shinkuma et al 2019. PubMed ID: 31513274) and the same canonical splice site (c.326+2T>C described as 257+2T→C in McIntosh et al 1998. PubMed ID: 9837817) have been identified in individuals with nail patella syndrome. Functional studies of the c.326+2T>C variant reveal that disruption of the splice site leas to skipping of exon 2, a frameshift, and a subsequent premature termination codon (Shinkuma et al 2019. PubMed ID: 31513274). The c.326+1G>A variant has not been reported in a large population database, indicating this variant is rare. Variants that disrupt the consensus splice donor site in LMX1B are expected to be pathogenic. This variant is interpreted as pathogenic.

Literature cited by the submitters: PubMed 15498463 (cited by Labcorp Genetics (formerly Invitae), Labcorp); PubMed 31513274 (cited by Labcorp Genetics (formerly Invitae), Labcorp).